The following is an entry in ClinVar:

NC_000007.13:g.(?_73442518)_(73483030_?)del

Gene: ELN (elastin; plus strand). Cytogenetic location: 7q11.23.
Variant type: Deletion.
Identifiers: ClinVar variation 2424094 (VCV002424094.3).

ClinVar aggregate classification (germline): Pathogenic (1 of 4 stars; one submission).

Conditions:
Supravalvar aortic stenosis (SVAS). Also called: Supravalvar aortic stenosis, Eisenberg type. Identifiers: Orphanet 3193, MedGen C0003499, MONDO:0008504, OMIM 185500, HP:0004381.

Submission:

Labcorp Genetics (formerly Invitae), Labcorp
Classification: Pathogenic for Supravalvar aortic stenosis. Last evaluated: 2022-10-17. Review status: criteria provided, single submitter. Criteria: Invitae Variant Classification Sherloc (09022015). Collection method: clinical testing. Allele origin: germline.
Comment: A gross deletion of the genomic region encompassing the full coding sequence of the ELN gene has been identified. Loss-of-function variants in ELN are known to be pathogenic (PMID: 11175284). The boundaries of this event are unknown as they extend beyond the assayed region for this gene and therefore may encompass additional genes. Isolated whole-gene deletions of ELN have not been reported in the literature. However, larger copy number events that include this gene have been reported (PMID: 7557968, 7611295, 7726172, 8968740, 10627943, 25205790, 28277377). For these reasons, this variant has been classified as Pathogenic.

Literature cited by the submitters: PubMed 11175284; PubMed 7557968; PubMed 7611295; PubMed 7726172; PubMed 8968740; PubMed 10627943; PubMed 25205790; PubMed 28277377.